The following is an entry in ClinVar:

ClinVar aggregate classification (germline): Uncertain significance (1 of 4 stars; one submission).

Conditions:
Bloom syndrome (BLM). Also called: Bloom-Torre-Machacek syndrome. Identifiers: Orphanet 125, MedGen C0005859, MONDO:0008876, OMIM 210900.

Submission:

Labcorp Genetics (formerly Invitae), Labcorp
Classification: Uncertain significance for Bloom syndrome. Last evaluated: 2023-06-05. Review status: criteria provided, single submitter. Criteria: Invitae Variant Classification Sherloc (09022015). Collection method: clinical testing. Allele origin: germline.
Comment: In summary, the available evidence is currently insufficient to determine the role of this variant in disease. Therefore, it has been classified as a Variant of Uncertain Significance. Advanced modeling of protein sequence and biophysical properties (such as structural, functional, and spatial information, amino acid conservation, physicochemical variation, residue mobility, and thermodynamic stability) performed at Invitae indicates that this missense variant is expected to disrupt BLM protein function. ClinVar contains an entry for this variant (Variation ID: 405293). This variant has not been reported in the literature in individuals affected with BLM-related conditions. This variant is not present in population databases (gnomAD no frequency). This sequence change replaces valine, which is neutral and non-polar, with leucine, which is neutral and non-polar, at codon 961 of the BLM protein (p.Val961Leu).

NM_000057.4(BLM):c.2881G>T (p.Val961Leu)

Gene: BLM (BLM RecQ like helicase; plus strand). Cytogenetic location: 15q26.1.
Variant type: single nucleotide variant.
Coding change: c.2881G>T on transcript NM_000057.4 (MANE Select); coding-DNA position 2881, G replaced by T.
Protein change: p.Val961Leu; replaces valine 961 with leucine.
Molecular consequence: missense variant.
Genome position (GRCh38, 1-based): chr15:90,790,706, G>T. VCF-style: chr15-90790706-G-T. GRCh37 (hg19) VCF-style: chr15-91333936-G-T.
Other names: c.2881G>T, p.Val961Leu (NM_001287246.2, NM_001287247.2); c.1756G>T, p.Val586Leu (NM_001287248.2); short protein forms V961L, V586L.
Identifiers: ClinVar variation 405293 (VCV000405293.9), dbSNP rs1060500639, ClinGen allele CA16614616.
Genomic context (GRCh38, chr15:90,790,706, plus strand): 5'-CAGGTTATCTGTGCTACAATTGCATTTGGAATGGGGATTGACAAACCGGACGTGCGATTT[G>T]TGATTCATGCATCTCTCCCTAAATCTGTGGAGGGTTACTACCAAGAATCTGGCAGAGCTG-3'
Protein context (NP_000048.1, residues 951-971): MGIDKPDVRF[Val961Leu]IHASLPKSVE